The following is an entry in ClinVar:

NM_015335.5(MED13L):c.1804G>A (p.Val602Ile)

Gene: MED13L (mediator complex subunit 13L; minus strand). Cytogenetic location: 12q24.21.
Variant type: single nucleotide variant.
Coding change: c.1804G>A on transcript NM_015335.5 (MANE Select); coding-DNA position 1804, G replaced by A.
Protein change: p.Val602Ile; replaces valine 602 with isoleucine.
Molecular consequence: missense variant.
Genome position (GRCh38, 1-based): chr12:116,008,609, C>T on the plus strand (G>A on the coding strand, the complement: MED13L is on the minus strand). VCF-style: chr12-116008609-C-T. GRCh37 (hg19) VCF-style: chr12-116446414-C-T.
Other names: short protein forms V602I.
Identifiers: ClinVar variation 2695651 (VCV002695651.3), dbSNP rs759007334, ClinGen allele CA386895533.
Genomic context (GRCh38, chr12:116,008,609, plus strand): 5'-TAATCCCACAATATAAGGCTGTCTCGCTGACCTCTGCCATGAGAGGCAGTCTTTGGCCTA[C>T]GAGGACAGTTCTGTCATCCAGAGTAGACAACTGCTGGAGTTCTAGTCCATTTCCATAAAG-3'
Protein context (NP_056150.1, residues 592-612): LSTLDDRTVL[Val602Ile]GQRLPLMAEV

ClinVar aggregate classification (germline): Uncertain significance (1 of 4 stars; one submission).

Conditions:
Dextro-looped transposition of the great arteries. Also called: Dextrotransposition of the great arteries. Identifiers: Orphanet 860, MedGen C3531771, MONDO:0019443, OMIM 608808, HP:0031348.

Allele frequency attached by ClinVar (database versions not stated): gnomAD 0.00001; TOPMed 0.00001.
gnomAD v4.1: 11 of 1,613,956 alleles (0.00068%); highest among the groups gnomAD compares: African/African-American, 0.004%; no homozygotes.

Submission:

Labcorp Genetics (formerly Invitae), Labcorp
Classification: Uncertain significance for Dextro-looped transposition of the great arteries. Last evaluated: 2022-10-26. Review status: criteria provided, single submitter. Criteria: Invitae Variant Classification Sherloc (09022015). Collection method: clinical testing. Allele origin: germline.
Comment: Advanced modeling of protein sequence and biophysical properties (such as structural, functional, and spatial information, amino acid conservation, physicochemical variation, residue mobility, and thermodynamic stability) performed at Invitae indicates that this missense variant is not expected to disrupt MED13L protein function. This sequence change replaces valine, which is neutral and non-polar, with isoleucine, which is neutral and non-polar, at codon 602 of the MED13L protein (p.Val602Ile). This variant is not present in population databases (gnomAD no frequency). This variant has not been reported in the literature in individuals affected with MED13L-related conditions. In summary, the available evidence is currently insufficient to determine the role of this variant in disease. Therefore, it has been classified as a Variant of Uncertain Significance.